The following is an entry in ClinVar:

ClinVar aggregate classification (germline): Uncertain significance. Review status: criteria provided, multiple submitters, no conflicts (2 of 4 stars). 2 submissions from 2 submitters: Uncertain significance (2). Last evaluated 2025-05-12.

Conditions:
Hereditary spastic paraplegia 7 (SPG7). Also called: SPASTIC PARAPLEGIA 7, AUTOSOMAL RECESSIVE, WITH OR WITHOUT CEREBELLAR ATAXIA; Spastic paraplegia 7; Hereditary spastic paraplegia Paraplegin type; Autosomal recessive spastic paraplegia type 7; SPG7-related neurologic disorder. Identifiers: Orphanet 99013, MedGen C1846564, MONDO:0011803, OMIM 607259.

gnomAD v4.1: 8 of 1,611,782 alleles (0.0005%); highest among the groups gnomAD compares: African/African-American, 0.0093%; no homozygotes.

Submissions (2):

Labcorp Genetics (formerly Invitae), Labcorp
Classification: Uncertain significance for Hereditary spastic paraplegia 7. Last evaluated: 2025-05-12. Review status: criteria provided, single submitter. Criteria: Invitae Variant Classification Sherloc (09022015). Collection method: clinical testing. Allele origin: germline.
Comment: This sequence change creates a premature translational stop signal (p.Glu789*) in the SPG7 gene. While this is not anticipated to result in nonsense mediated decay, it is expected to disrupt the last 7 amino acid(s) of the SPG7 protein. This variant is present in population databases (rs372033226, gnomAD 0.01%). This variant has not been reported in the literature in individuals affected with SPG7-related conditions. ClinVar contains an entry for this variant (Variation ID: 1510535). In summary, the available evidence is currently insufficient to determine the role of this variant in disease. Therefore, it has been classified as a Variant of Uncertain Significance.

Women's Health and Genetics/Laboratory Corporation of America, LabCorp
Classification: Uncertain significance. Last evaluated: 2023-09-26. Review status: criteria provided, single submitter. Criteria: LabCorp Variant Classification Summary - May 2015. Collection method: clinical testing. Allele origin: germline.
Comment: Variant summary: SPG7 c.2365G>T (p.Glu789X) results in a premature termination codon, predicted to cause a truncation of the encoded protein that is not anticipated to result in nonsense mediated decay. Variants downstream of this position have not been classified as pathogenic. The variant was absent in 249510 control chromosomes. The available data on variant occurrences in the general population are insufficient to allow any conclusion about variant significance. To our knowledge, no occurrence of c.2365G>T in individuals affected with Hereditary Spastic Paraplegia 7 and no experimental evidence demonstrating its impact on protein function have been reported. One submitter has cited clinical-significance assessments for this variant to ClinVar after 2014 and has classified the variant as uncertain significance. Based on the evidence outlined above, the variant was classified as uncertain significance.

NM_003119.4(SPG7):c.2365G>T (p.Glu789Ter)

Gene: SPG7 (SPG7 matrix AAA peptidase subunit, paraplegin; plus strand). Cytogenetic location: 16q24.3.
Variant type: single nucleotide variant.
Coding change: c.2365G>T on transcript NM_003119.4 (MANE Select); coding-DNA position 2365, G replaced by T.
Protein change: p.Glu789Ter; replaces glutamic acid 789 with a stop codon.
Molecular consequence: nonsense. On other transcripts: 3 prime UTR variant (1).
Genome position (GRCh38, 1-based): chr16:89,557,070, G>T. VCF-style: chr16-89557070-G-T. GRCh37 (hg19) VCF-style: chr16-89623478-G-T.
Other names: c.2365G>T (NM_003119.3); c.*143G>T (NM_001363850.1); short protein forms E789*.
Identifiers: ClinVar variation 1510535 (VCV001510535.6), dbSNP rs372033226, ClinGen allele CA286509978.
Genomic context (GRCh38, chr16:89,557,070, plus strand): 5'-GAGAAACAGGACTTGGGCGAGGAGGAGACCGAAGAGACCCAGCAGCCTCCACTTGGAGGC[G>T]AAGAGCCGACTTGGCCCAAGTAGTTGGGAGGTGTTGGCTGCACGTGCGGGTGGTCCGGGA-3'